The following is an entry in ClinVar:

NM_000540.3(RYR1):c.12553G>T (p.Ala4185Ser)

Gene: RYR1 (ryanodine receptor 1; plus strand). Cytogenetic location: 19q13.2.
Variant type: single nucleotide variant.
Coding change: c.12553G>T on transcript NM_000540.3 (MANE Select); coding-DNA position 12553, G replaced by T.
Protein change: p.Ala4185Ser; replaces alanine 4185 with serine.
Molecular consequence: missense variant.
Genome position (GRCh38, 1-based): chr19:38,561,383, G>T. VCF-style: chr19-38561383-G-T. GRCh37 (hg19) VCF-style: chr19-39052023-G-T.
Other names: c.12538G>T, p.Ala4180Ser (NM_001042723.2); short protein forms A4180S, A4185S.
Identifiers: ClinVar variation 3629586 (VCV003629586.2).

ClinVar aggregate classification (germline): Uncertain significance (1 of 4 stars; one submission).

Submission:

Women's Health and Genetics/Laboratory Corporation of America, LabCorp
Classification: Uncertain significance. Last evaluated: 2024-11-29. Review status: criteria provided, single submitter. Criteria: LabCorp Variant Classification Summary - May 2015. Collection method: clinical testing. Allele origin: germline.
Comment: Variant summary: RYR1 c.12553G>T (p.Ala4185Ser) results in a conservative amino acid change in the encoded protein sequence. Four of five in-silico tools predict a benign effect of the variant on protein function. The variant was absent in 249960 control chromosomes. The available data on variant occurrences in the general population are insufficient to allow any conclusion about variant significance. To our knowledge, no occurrence of c.12553G>T in individuals affected with Myopathy, RYR1-Associated and no experimental evidence demonstrating its impact on protein function have been reported. No submitters have cited clinical-significance assessments for this variant to ClinVar. Based on the evidence outlined above, the variant was classified as uncertain significance.